The following is an entry in ClinVar:

ClinVar aggregate classification (germline): Uncertain significance. Review status: criteria provided, multiple submitters, no conflicts (2 of 4 stars). 2 submissions from 2 submitters: Uncertain significance (2). Last evaluated 2025-12-19.

Conditions:
Inborn genetic diseases. Identifiers: MedGen C0950123, MeSH D030342.
Neuropathy, hereditary sensory and autonomic, type 2A (HSAN2A). Also called: ACROOSTEOLYSIS, GIACCAI TYPE; ACROOSTEOLYSIS, NEUROGENIC; HSAN IIA; WNK1-Related HSAN2 (HSAN2A); MORVAN DISEASE; NEUROPATHY, CONGENITAL SENSORY. Identifiers: Orphanet 970, MedGen C2752089, MONDO:0024309, OMIM 201300.
Generalized epilepsy with febrile seizures plus, type 7 (GEFSP7). Also called: GEFS+, TYPE 7. Identifiers: Orphanet 36387, MedGen C2751778, MONDO:0013470, OMIM 613863.

gnomAD v4.1: 11 of 1,564,454 alleles (0.0007%); highest among the groups gnomAD compares: Middle Eastern, 0.017%; no homozygotes.

Submissions (2):

Labcorp Genetics (formerly Invitae), Labcorp
Classification: Uncertain significance for Neuropathy, hereditary sensory and autonomic, type 2A; Generalized epilepsy with febrile seizures plus, type 7. Last evaluated: 2025-12-19. Review status: criteria provided, single submitter. Criteria: Invitae Variant Classification Sherloc (09022015). Collection method: clinical testing. Allele origin: germline.
Comment: This sequence change replaces glutamic acid, which is acidic and polar, with valine, which is neutral and non-polar, at codon 693 of the SCN9A protein (p.Glu693Val). This variant is not present in population databases (gnomAD no frequency). This variant has not been reported in the literature in individuals affected with SCN9A-related conditions. ClinVar contains an entry for this variant (Variation ID: 3316626). Invitae Evidence Modeling of protein sequence and biophysical properties (such as structural, functional, and spatial information, amino acid conservation, physicochemical variation, residue mobility, and thermodynamic stability) indicates that this missense variant is not expected to disrupt SCN9A protein function with a negative predictive value of 95%. In summary, the available evidence is currently insufficient to determine the role of this variant in disease. Therefore, it has been classified as a Variant of Uncertain Significance.

Ambry Genetics
Classification: Uncertain significance for Inborn genetic diseases. Last evaluated: 2024-03-19. Review status: criteria provided, single submitter. Criteria: Ambry Variant Classification Scheme 2023. Collection method: clinical testing. Allele origin: germline.

NM_001365536.1(SCN9A):c.2111A>T (p.Glu704Val)

Genes: SCN1A-AS1 (SCN1A and SCN9A antisense RNA 1; plus strand), SCN9A (sodium voltage-gated channel alpha subunit 9; minus strand). Cytogenetic location: 2q24.3.
Variant type: single nucleotide variant.
Coding change: c.2111A>T on transcript NM_001365536.1 (MANE Select); coding-DNA position 2111, A replaced by T.
Protein change: p.Glu704Val; replaces glutamic acid 704 with valine.
Molecular consequence: missense variant.
Genome position (GRCh38, 1-based): chr2:166,280,589, T>A on the plus strand (A>T on the coding strand, the complement: SCN9A is on the minus strand). VCF-style: chr2-166280589-T-A. GRCh37 (hg19) VCF-style: chr2-167137099-T-A.
Other names: c.2078A>T, p.Glu693Val (NM_002977.4); short protein forms E693V, E704V.
Identifiers: ClinVar variation 3316626 (VCV003316626.2).